The following is an entry in ClinVar:

NM_000059.4(BRCA2):c.2231C>T (p.Ser744Leu)

Gene: BRCA2 (BRCA2 DNA repair associated; plus strand). Cytogenetic location: 13q13.1.
Variant type: single nucleotide variant.
Coding change: c.2231C>T on transcript NM_000059.4 (MANE Select); coding-DNA position 2231, C replaced by T.
Protein change: p.Ser744Leu; replaces serine 744 with leucine.
Molecular consequence: missense variant.
Genome position (GRCh38, 1-based): chr13:32,336,586, C>T. VCF-style: chr13-32336586-C-T. GRCh37 (hg19) VCF-style: chr13-32910723-C-T.
Other names: short protein forms S744L.
Identifiers: ClinVar variation 187129 (VCV000187129.22), dbSNP rs397507282, ClinGen allele CA014700.

ClinVar aggregate classification (germline): Conflicting classifications of pathogenicity. Review status: criteria provided, conflicting classifications (1 of 4 stars). 7 submissions from 7 submitters: Uncertain significance (6); Likely benign (1). Last evaluated 2025-08-11.

Conditions:
Familial cancer of breast. Also called: hereditary breast carcinoma; BREAST CANCER, FAMILIAL; Hereditary breast cancer. Identifiers: Orphanet 227535, MedGen C0346153, MONDO:0016419, OMIM 114480. Disease mechanism: loss of function.
Breast-ovarian cancer, familial, susceptibility to, 2 (BROVCA2). Also called: BRCA2 Hereditary Breast and Ovarian Cancer. Identifiers: Orphanet 145, MedGen C2675520, MONDO:0012933, OMIM 612555. Disease mechanism: loss of function.
Fanconi anemia complementation group D1. Also called: BRCA2-Related Fanconi Anemia. Identifiers: Orphanet 319462, MedGen C1838457, MONDO:0011584, OMIM 605724.
Medulloblastoma (MDB). Also called: Medulloblastoma, somatic; MEDULLOBLASTOMA PREDISPOSITION SYNDROME. Identifiers: Orphanet 616, MedGen C0025149, MeSH D008527, MONDO:0007959, OMIM 155255, HP:0002885.
Prostate cancer. Also called: Malignant tumor of prostate. Identifiers: Orphanet 1331, MedGen C0376358, MONDO:0008315, HP:0012125.
Wilms tumor 1 (WT1). Also called: Wilms tumor, somatic. Identifiers: Orphanet 654, MedGen CN033288, MONDO:0008679, OMIM 194070.
Pancreatic cancer, susceptibility to, 2. Identifiers: Orphanet 1333, MedGen C3150546, MONDO:0013235, OMIM 613347.
Glioma susceptibility 3 (GLM3). Also called: Glioblastoma 3. Identifiers: Orphanet 182067, Orphanet 360, MedGen C2751641, MONDO:0013093, OMIM 613029.
Hereditary cancer-predisposing syndrome. Also called: Neoplastic Syndromes, Hereditary; Hereditary neoplastic syndrome; Hereditary Cancer Syndrome; Tumor predisposition. Identifiers: Orphanet 140162, MedGen C0027672, MeSH D009386, MONDO:0015356.
Hereditary breast ovarian cancer syndrome. Also called: BRCA1- and BRCA2-Associated Hereditary Breast and Ovarian Cancer; Hereditary breast and ovarian cancer syndrome; Hereditary breast and ovarian cancer syndrome (HBOC); Hereditary breast and ovarian cancer; Breast and ovarian cancer; Hereditary breast and/or ovarian cancer syndrome. Identifiers: Orphanet 145, MedGen C0677776, MeSH D061325, MONDO:0003582. Disease mechanism: loss of function.

Allele frequency attached by ClinVar (database versions not stated): gnomAD 0.00001; TOPMed below 0.00001.
gnomAD v4.1: 19 of 1,613,846 alleles (0.0012%); highest among the groups gnomAD compares: Non-Finnish European, 0.0016%; no homozygotes.

Submissions (7):

Labcorp Genetics (formerly Invitae), Labcorp
Classification: Uncertain significance for Hereditary breast ovarian cancer syndrome. Last evaluated: 2025-08-11. Review status: criteria provided, single submitter. Criteria: Invitae Variant Classification Sherloc (09022015). Collection method: clinical testing. Allele origin: germline.
Comment: This sequence change replaces serine, which is neutral and polar, with leucine, which is neutral and non-polar, at codon 744 of the BRCA2 protein (p.Ser744Leu). This variant is not present in population databases (gnomAD no frequency). This variant has not been reported in the literature in individuals affected with BRCA2-related conditions. ClinVar contains an entry for this variant (Variation ID: 187129). Invitae Evidence Modeling of protein sequence and biophysical properties (such as structural, functional, and spatial information, amino acid conservation, physicochemical variation, residue mobility, and thermodynamic stability) indicates that this missense variant is not expected to disrupt BRCA2 protein function with a negative predictive value of 95%. In summary, the available evidence is currently insufficient to determine the role of this variant in disease. Therefore, it has been classified as a Variant of Uncertain Significance.

GeneDx
Classification: Uncertain significance. Last evaluated: 2025-07-14. Review status: criteria provided, single submitter. Criteria: GeneDx Variant Classification Process June 2021. Collection method: clinical testing. Allele origin: germline. Affected: yes.
Comment: Observed in individuals undergoing multigene panel testing (PMID: 31853058); Not observed at significant frequency in large population cohorts (gnomAD); In silico analysis supports that this missense variant has a deleterious effect on protein structure/function; Also known as 2459C>T; This variant is associated with the following publications: (PMID: 29884841, 31911673, 32377563, 33471991, 31853058)

Color Diagnostics, LLC DBA Color Health
Classification: Uncertain significance for Hereditary cancer-predisposing syndrome. Last evaluated: 2024-02-20. Review status: criteria provided, single submitter. Criteria: ACMG Guidelines, 2015. Collection method: clinical testing. Allele origin: germline.
Comment: This missense variant replaces serine with leucine at codon 744 of the BRCA2 protein. Computational prediction suggests that this variant may not impact protein structure and function (internally defined REVEL score threshold <= 0.5, PMID: 27666373). To our knowledge, functional studies have not been reported for this variant. This variant has been reported in an individual affected with breast cancer (PMID: 33471991; Leiden Open Variation Database DB-ID BRCA2_007301). This variant has not been identified in the general population by the Genome Aggregation Database (gnomAD). The available evidence is insufficient to determine the role of this variant in disease conclusively. Therefore, this variant is classified as a Variant of Uncertain Significance.

Ambry Genetics
Classification: Uncertain significance for Hereditary cancer-predisposing syndrome. Last evaluated: 2023-12-06. Review status: criteria provided, single submitter. Criteria: Ambry Variant Classification Scheme 2023. Collection method: clinical testing. Allele origin: germline.
Comment: The p.S744L variant (also known as c.2231C>T), located in coding exon 10 of the BRCA2 gene, results from a C to T substitution at nucleotide position 2231. The serine at codon 744 is replaced by leucine, an amino acid with dissimilar properties. This amino acid position is not well conserved in available vertebrate species. In addition, this alteration is predicted to be tolerated by in silico analysis. Since supporting evidence is limited at this time, the clinical significance of this alteration remains unclear.

University of Washington Department of Laboratory Medicine, University of Washington
Classification: Likely benign for Hereditary cancer-predisposing syndrome. Last evaluated: 2023-03-23. Review status: criteria provided, single submitter. Criteria: Dines et al. (Genet Med. 2020). Collection method: curation. Allele origin: germline.
Comment: Missense variant in a coldspot region where missense variants are very unlikely to be pathogenic (PMID:31911673).

BRCA2 exon 11 coldspot. Reclassification based on statistical prior probability.

Fulgent Genetics
Classification: Uncertain significance for Familial cancer of breast; Medulloblastoma; Familial prostate cancer; Wilms tumor 1; Fanconi anemia complementation group D1; Breast-ovarian cancer, familial, susceptibility to, 2; Glioma susceptibility 3; Pancreatic cancer, susceptibility to, 2. Last evaluated: 2022-04-22. Review status: criteria provided, single submitter. Criteria: ACMG Guidelines, 2015. Collection method: clinical testing. Allele origin: unknown.

Department of Pathology and Laboratory Medicine, Sinai Health System
Classification: Uncertain significance for Familial cancer of breast; Breast-ovarian cancer, familial, susceptibility to, 2. Last evaluated: 2021-11-05. Review status: criteria provided, single submitter. Criteria: ACMG Guidelines, 2015. Collection method: research. Allele origin: germline.

Literature cited by the submitters: PubMed 33471991 (cited by Color Diagnostics, LLC DBA Color Health).